The following is an entry in ClinVar:

NM_020937.4(FANCM):c.2754A>C (p.Lys918Asn)

Gene: FANCM (FA complementation group M; plus strand). Cytogenetic location: 14q21.2.
Variant type: single nucleotide variant.
Coding change: c.2754A>C on transcript NM_020937.4 (MANE Select); coding-DNA position 2754, A replaced by C.
Protein change: p.Lys918Asn; replaces lysine 918 with asparagine.
Molecular consequence: missense variant.
Genome position (GRCh38, 1-based): chr14:45,175,508, A>C. VCF-style: chr14-45175508-A-C. GRCh37 (hg19) VCF-style: chr14-45644711-A-C.
Other names: c.2676A>C, p.Lys892Asn (NM_001308133.2); short protein forms K918N, K892N.
Identifiers: ClinVar variation 2720216 (VCV002720216.4), dbSNP rs2503183723, ClinGen allele CA389599063.

ClinVar aggregate classification (germline): Conflicting classifications of pathogenicity. Review status: criteria provided, conflicting classifications (1 of 4 stars). 2 submissions from 2 submitters: Uncertain significance (1); Likely benign (1). Last evaluated 2026-06-16.

Conditions:
Fanconi anemia (FA). Also called: Fanconi's anemia. Identifiers: Orphanet 84, MedGen C0015625, MeSH D005199, MONDO:0019391.
Inborn genetic diseases. Identifiers: MedGen C0950123, MeSH D030342.

Allele frequency attached by ClinVar (database versions not stated): gnomAD exomes below 0.00001.

Submissions (2):

Ambry Genetics
Classification: Likely benign for Inborn genetic diseases. Last evaluated: 2026-06-16. Review status: criteria provided, single submitter. Criteria: Ambry Variant Classification Scheme 2023. Collection method: clinical testing. Allele origin: germline.

Labcorp Genetics (formerly Invitae), Labcorp
Classification: Uncertain significance for Fanconi anemia. Last evaluated: 2024-10-15. Review status: criteria provided, single submitter. Criteria: Invitae Variant Classification Sherloc (09022015). Collection method: clinical testing. Allele origin: germline.
Comment: This sequence change replaces lysine, which is basic and polar, with asparagine, which is neutral and polar, at codon 918 of the FANCM protein (p.Lys918Asn). This variant is not present in population databases (gnomAD no frequency). This variant has not been reported in the literature in individuals affected with FANCM-related conditions. An algorithm developed to predict the effect of missense changes on protein structure and function outputs the following: PolyPhen-2: "Benign". The asparagine amino acid residue is found in multiple mammalian species, which suggests that this missense change does not adversely affect protein function. In summary, the available evidence is currently insufficient to determine the role of this variant in disease. Therefore, it has been classified as a Variant of Uncertain Significance.